The following is an entry in ClinVar:

ClinVar aggregate classification (germline): Uncertain significance. Review status: criteria provided, multiple submitters, no conflicts (2 of 4 stars). 3 submissions from 3 submitters: Uncertain significance (3). Last evaluated 2022-11-10.

Conditions:
Inborn genetic diseases. Identifiers: MedGen C0950123, MeSH D030342.
Age related macular degeneration 7. Identifiers: MedGen C1857813, MONDO:0012419, OMIM 610149.
Cerebral arteriopathy, autosomal recessive, with subcortical infarcts and leukoencephalopathy 2. Also called: CEREBROVASCULAR DISEASE WITH THIN SKIN, ALOPECIA, AND DISC DISEASE; MAEDA SYNDROME; CARASIL syndrome; SUBCORTICAL VASCULAR ENCEPHALOPATHY, PROGRESSIVE; Cerebral autosomal recessive arteriopathy with subcortical infarcts and leukoencephalopathy. Identifiers: Orphanet 199354, MedGen C6022615, MONDO:0010829, OMIM 600142.
Cerebral arteriopathy, autosomal dominant, with subcortical infarcts and leukoencephalopathy, type 2 (CADASIL2). Identifiers: MedGen C4225211, MONDO:0014768, OMIM 616779.

Allele frequency attached by ClinVar (database versions not stated): ExAC 0.00001; gnomAD exomes 0.00001; TOPMed 0.00002; gnomAD 0.00003.
gnomAD v4.1: 8 of 1,613,492 alleles (0.0005%); highest among the groups gnomAD compares: African/African-American, 0.004%; no homozygotes.

Submissions (3):

Ambry Genetics
Classification: Uncertain significance for Inborn genetic diseases. Last evaluated: 2022-11-10. Review status: criteria provided, single submitter. Criteria: Ambry Variant Classification Scheme 2023. Collection method: clinical testing. Allele origin: germline.

Labcorp Genetics (formerly Invitae), Labcorp
Classification: Uncertain significance. Last evaluated: 2022-06-04. Review status: criteria provided, single submitter. Criteria: Invitae Variant Classification Sherloc (09022015). Collection method: clinical testing. Allele origin: germline.
Comment: This sequence change replaces arginine, which is basic and polar, with tryptophan, which is neutral and slightly polar, at codon 274 of the HTRA1 protein (p.Arg274Trp). This variant is present in population databases (rs748074236, gnomAD 0.008%). This variant has not been reported in the literature in individuals affected with HTRA1-related conditions. ClinVar contains an entry for this variant (Variation ID: 1501480). Algorithms developed to predict the effect of missense changes on protein structure and function (SIFT, PolyPhen-2, Align-GVGD) all suggest that this variant is likely to be disruptive. In summary, the available evidence is currently insufficient to determine the role of this variant in disease. Therefore, it has been classified as a Variant of Uncertain Significance.

Fulgent Genetics
Classification: Uncertain significance for Cerebral arteriopathy, autosomal recessive, with subcortical infarcts and leukoencephalopathy 2; Age related macular degeneration 7; Cerebral arteriopathy, autosomal dominant, with subcortical infarcts and leukoencephalopathy, type 2. Last evaluated: 2022-04-22. Review status: criteria provided, single submitter. Criteria: ACMG Guidelines, 2015. Collection method: clinical testing. Allele origin: unknown.

NM_002775.5(HTRA1):c.820C>T (p.Arg274Trp)

Gene: HTRA1 (HtrA serine peptidase 1; plus strand). Cytogenetic location: 10q26.13.
Variant type: single nucleotide variant.
Coding change: c.820C>T on transcript NM_002775.5 (MANE Select); coding-DNA position 820, C replaced by T.
Protein change: p.Arg274Trp; replaces arginine 274 with tryptophan.
Molecular consequence: missense variant.
Genome position (GRCh38, 1-based): chr10:122,506,733, C>T. VCF-style: chr10-122506733-C-T. GRCh37 (hg19) VCF-style: chr10-124266249-C-T.
Other names: c.820C>T (NM_002775.4); short protein forms R274W.
Identifiers: ClinVar variation 1501480 (VCV001501480.8), dbSNP rs748074236, ClinGen allele CA5725938.